The following is an entry in ClinVar:

ClinVar aggregate classification (germline): Conflicting classifications of pathogenicity. Review status: criteria provided, conflicting classifications (1 of 4 stars). 3 submissions from 3 submitters: Uncertain significance (2); Likely benign (1). Last evaluated 2026-01-07.

Conditions:
Developmental and epileptic encephalopathy, 12 (DEE12). Identifiers: MedGen C3150988, MONDO:0013389, OMIM 613722.

Allele frequency attached by ClinVar (database versions not stated): gnomAD exomes 0.00005 and 0.00009; ExAC 0.00006; gnomAD 0.00007 and 0.00008; TOPMed 0.00007; 1000 Genomes Project 30x 0.00031; ESP Exome Variant Server 0.00015; 1000 Genomes Project 0.00020.

Submissions (3):

GeneDx
Classification: Uncertain significance. Last evaluated: 2026-01-07. Review status: criteria provided, single submitter. Criteria: GeneDx Variant Classification Process June 2021. Collection method: clinical testing. Allele origin: germline. Affected: yes.
Comment: Not observed at significant frequency in large population cohorts (gnomAD); In silico analysis suggests that this missense variant does not alter protein structure/function; Has not been previously published as pathogenic or benign to our knowledge; In silico analysis is inconclusive as to whether the variant alters gene splicing. In the absence of RNA/functional studies, the actual effect of this sequence change is unknown.; This variant is associated with the following publications: (PMID: 22508754)

Blueprint Genetics
Classification: Likely benign. Last evaluated: 2024-09-13. Review status: criteria provided, single submitter. Criteria: ACMG Guidelines, 2015. Collection method: clinical testing. Allele origin: germline.

Labcorp Genetics (formerly Invitae), Labcorp
Classification: Uncertain significance for Developmental and epileptic encephalopathy, 12. Last evaluated: 2024-08-13. Review status: criteria provided, single submitter. Criteria: Invitae Variant Classification Sherloc (09022015). Collection method: clinical testing. Allele origin: germline.
Comment: This sequence change replaces glycine, which is neutral and non-polar, with serine, which is neutral and polar, at codon 481 of the PNKP protein (p.Gly481Ser). This variant is present in population databases (rs146941866, gnomAD 0.01%). This variant has not been reported in the literature in individuals affected with PNKP-related conditions. ClinVar contains an entry for this variant (Variation ID: 206376). Advanced modeling of protein sequence and biophysical properties (such as structural, functional, and spatial information, amino acid conservation, physicochemical variation, residue mobility, and thermodynamic stability) performed at Invitae indicates that this missense variant is not expected to disrupt PNKP protein function with a negative predictive value of 80%. In summary, the available evidence is currently insufficient to determine the role of this variant in disease. Therefore, it has been classified as a Variant of Uncertain Significance.

NM_007254.4(PNKP):c.1441G>A (p.Gly481Ser)

Gene: PNKP (polynucleotide kinase 3'-phosphatase; minus strand). Cytogenetic location: 19q13.33.
Variant type: single nucleotide variant.
Coding change: c.1441G>A on transcript NM_007254.4 (MANE Select); coding-DNA position 1441, G replaced by A.
Protein change: p.Gly481Ser; replaces glycine 481 with serine.
Molecular consequence: missense variant.
Genome position (GRCh38, 1-based): chr19:49,861,456, C>T on the plus strand (G>A on the coding strand, the complement: PNKP is on the minus strand). VCF-style: chr19-49861456-C-T. GRCh37 (hg19) VCF-style: chr19-50364713-C-T.
Other names: p.G481S:GGC>AGC; short protein forms G481S.
Identifiers: ClinVar variation 206376 (VCV000206376.13), dbSNP rs146941866, ClinGen allele CA316436.